The following is an entry in ClinVar:

ClinVar aggregate classification (germline): Conflicting classifications of pathogenicity. Review status: criteria provided, conflicting classifications (1 of 4 stars). 3 submissions from 3 submitters: Uncertain significance (2); Likely benign (1). Last evaluated 2026-01-02.

Conditions:
TGFB1-related disorder. Also called: TGFB1-related condition.

Allele frequency attached by ClinVar (database versions not stated): ExAC 0.00006; gnomAD 0.00006 and 0.00007; gnomAD exomes 0.00006 and 0.00010; TOPMed 0.00009.
gnomAD v4.1: 149 of 1,613,730 alleles (0.0092%); highest among the groups gnomAD compares: Non-Finnish European, 0.012%; 1 homozygote.

Submissions (3):

Labcorp Genetics (formerly Invitae), Labcorp
Classification: Uncertain significance. Last evaluated: 2026-01-02. Review status: criteria provided, single submitter. Criteria: Invitae Variant Classification Sherloc (09022015). Collection method: clinical testing. Allele origin: germline.
Comment: This sequence change replaces arginine, which is basic and polar, with histidine, which is basic and polar, at codon 210 of the TGFB1 protein (p.Arg210His). This variant is present in population databases (rs201430293, gnomAD 0.01%). This variant has not been reported in the literature in individuals affected with TGFB1-related conditions. ClinVar contains an entry for this variant (Variation ID: 1510529). Invitae Evidence Modeling of protein sequence and biophysical properties (such as structural, functional, and spatial information, amino acid conservation, physicochemical variation, residue mobility, and thermodynamic stability) indicates that this missense variant is not expected to disrupt TGFB1 protein function with a negative predictive value of 80%. In summary, the available evidence is currently insufficient to determine the role of this variant in disease. Therefore, it has been classified as a Variant of Uncertain Significance.

Blueprint Genetics
Classification: Likely benign. Last evaluated: 2023-10-25. Review status: criteria provided, single submitter. Criteria: ACMG Guidelines, 2015. Collection method: clinical testing. Allele origin: germline.

PreventionGenetics, part of Exact Sciences
Classification: Uncertain significance for TGFB1-related condition. Last evaluated: 2023-06-07. Review status: criteria provided, single submitter. Criteria: ACMG Guidelines, 2015. Collection method: clinical testing. Allele origin: germline.
Comment: The TGFB1 c.629G>A variant is predicted to result in the amino acid substitution p.Arg210His. To our knowledge, this variant has not been reported in the literature. This variant is reported in 0.010% of alleles in individuals of European (Non-Finnish) descent in gnomAD. At this time, the clinical significance of this variant is uncertain due to the absence of conclusive functional and genetic evidence.

NM_000660.7(TGFB1):c.629G>A (p.Arg210His)

Gene: TGFB1 (transforming growth factor beta 1; minus strand). Cytogenetic location: 19q13.2.
Variant type: single nucleotide variant.
Coding change: c.629G>A on transcript NM_000660.7 (MANE Select); coding-DNA position 629, G replaced by A.
Protein change: p.Arg210His; replaces arginine 210 with histidine.
Molecular consequence: missense variant.
Genome position (GRCh38, 1-based): chr19:41,344,752, C>T on the plus strand (G>A on the coding strand, the complement: TGFB1 is on the minus strand). VCF-style: chr19-41344752-C-T. GRCh37 (hg19) VCF-style: chr19-41850657-C-T.
Other names: c.629G>A (NM_000660.6); short protein forms R210H.
Identifiers: ClinVar variation 1510529 (VCV001510529.7), dbSNP rs201430293, ClinGen allele CA9460050.